The following is an entry in ClinVar:

ClinVar aggregate classification (germline): Likely benign. Review status: criteria provided, multiple submitters, no conflicts (2 of 4 stars). 3 submissions from 3 submitters: Likely benign (2). 1 of the submissions does not count toward it. Last evaluated 2024-03-12.

Conditions:
TNFAIP3-related disorder. Also called: TNFAIP3-related condition.

gnomAD v4.1: 49 of 1,614,190 alleles (0.003%); highest among the groups gnomAD compares: South Asian, 0.032%; no homozygotes.

Submissions (3):

Labcorp Genetics (formerly Invitae), Labcorp
Classification: Likely benign. Last evaluated: 2024-03-12. Review status: criteria provided, single submitter. Criteria: Invitae Variant Classification Sherloc (09022015). Collection method: clinical testing. Allele origin: germline.

Blueprint Genetics
Classification: Likely benign. Last evaluated: 2022-09-01. Review status: criteria provided, single submitter. Criteria: ACMG Guidelines, 2015. Collection method: clinical testing. Allele origin: germline.

PreventionGenetics, part of Exact Sciences
Classification: Likely benign for TNFAIP3-related condition. Last evaluated: 2019-07-01. Review status: no assertion criteria provided. Collection method: clinical testing. Allele origin: germline. Not counted in ClinVar's aggregate classification.
Comment: This variant is classified as likely benign based on ACMG/AMP sequence variant interpretation guidelines (Richards et al. 2015 PMID: 25741868, with internal and published modifications).

NM_001270508.2(TNFAIP3):c.1809G>A (p.Gly603=)

Gene: TNFAIP3 (TNF alpha induced protein 3; plus strand). Cytogenetic location: 6q23.3.
Variant type: single nucleotide variant.
Coding change: c.1809G>A on transcript NM_001270508.2 (MANE Select); coding-DNA position 1809, G replaced by A.
Protein change: p.Gly603=; no amino-acid change (glycine 603 retained).
Molecular consequence: synonymous variant.
Genome position (GRCh38, 1-based): chr6:137,879,254, G>A. VCF-style: chr6-137879254-G-A. GRCh37 (hg19) VCF-style: chr6-138200391-G-A.
Other names: c.1809G>A, p.Gly603= (NM_001270507.2, NM_006290.4).
Identifiers: ClinVar variation 3042697 (VCV003042697.5), dbSNP rs201052251, ClinGen allele CA4019715.